The following is an entry in ClinVar:

ClinVar aggregate classification (germline): Pathogenic. Review status: criteria provided, multiple submitters, no conflicts (2 of 4 stars). 2 submissions from 2 submitters: Pathogenic (2). Last evaluated 2024-03-15.

Conditions:
PAX6-related disorder. Also called: PAX6-related disorders; PAX6-related condition.

Submissions (2):

GeneDx
Classification: Pathogenic. Last evaluated: 2024-03-15. Review status: criteria provided, single submitter. Criteria: GeneDx Variant Classification Process June 2021. Collection method: clinical testing. Allele origin: germline. Affected: yes.
Comment: Identified in unrelated patients with aniridia referred for genetic testing at GeneDx and in published literature (PMID: 16785853); Nonsense variant predicted to result in protein truncation or nonsense mediated decay in a gene for which loss-of-function is a known mechanism of disease; Not observed in large population cohorts (gnomAD); Also known as c.562C>T, p.(Q188X); This variant is associated with the following publications: (PMID: 25525159, 16785853)

Blueprint Genetics
Classification: Pathogenic for PAX6-related disorders. Last evaluated: 2022-06-16. Review status: criteria provided, single submitter. Criteria: ACMG Guidelines, 2015. Collection method: clinical testing. Allele origin: germline. Affected: yes. Observed: 1 variant allele.

NM_001368894.2(PAX6):c.562C>T (p.Gln188Ter)

Gene: PAX6 (paired box 6; minus strand). Cytogenetic location: 11p13.
Variant type: single nucleotide variant.
Coding change: c.562C>T on transcript NM_001368894.2 (MANE Select); coding-DNA position 562, C replaced by T.
Protein change: p.Gln188Ter; replaces glutamine 188 with a stop codon.
Molecular consequence: nonsense. On other transcripts: non-coding transcript variant (2).
Genome position (GRCh38, 1-based): chr11:31,800,694, G>A on the plus strand (C>T on the coding strand, the complement: PAX6 is on the minus strand). VCF-style: chr11-31800694-G-A. GRCh37 (hg19) VCF-style: chr11-31822242-G-A.
Other names: c.520C>T, p.Gln174Ter (NM_000280.6, NM_001127612.3, NM_001258464.2 and 10 more transcripts); c.562C>T, p.Gln188Ter (NM_001258462.3, NM_001258463.2, NM_001310158.2 and 6 more transcripts); c.112C>T, p.Gln38Ter (NM_001310160.2, NM_001310161.3, NM_001368899.2 and 11 more transcripts); c.763C>T, p.Gln255Ter (NM_001368910.2); c.565C>T, p.Gln189Ter (NM_001368911.2); c.637C>T, p.Gln213Ter (NM_001368918.2, NM_001368919.2); c.595C>T, p.Gln199Ter (NM_001368920.2); c.361C>T, p.Gln121Ter (NM_001368921.2, NM_001368922.2, NM_001368923.2 and 4 more transcripts); and 1 more; short protein forms Q107*, Q121*, Q174*, Q188*, Q189*, Q199*, Q213*, Q255*.
Identifiers: ClinVar variation 3340619 (VCV003340619.2).
Genomic context (GRCh38, chr11:31,800,694, plus strand): 5'-GGACAGGCAAAGGGATGCACATATGGAGAGCTGCGTGGATGGCTGCTTGGGTTTTACCTT[G>A]CGTAGGTTGCCCTGGCACCGAAGTCCCCGGATACCAACCAGGGCGGGTGCCCCAGCTTCC-3'